The following is an entry in ClinVar:

NM_018192.4(P3H2):c.1042T>C (p.Tyr348His)

Gene: P3H2 (prolyl 3-hydroxylase 2; minus strand). Cytogenetic location: 3q28.
Variant type: single nucleotide variant.
Coding change: c.1042T>C on transcript NM_018192.4 (MANE Select); coding-DNA position 1042, T replaced by C.
Protein change: p.Tyr348His; replaces tyrosine 348 with histidine.
Molecular consequence: missense variant.
Genome position (GRCh38, 1-based): chr3:189,987,583, A>G on the plus strand (T>C on the coding strand, the complement: P3H2 is on the minus strand). VCF-style: chr3-189987583-A-G. GRCh37 (hg19) VCF-style: chr3-189705372-A-G.
Other names: c.499T>C, p.Tyr167His (NM_001134418.2); short protein forms Y348H, Y167H.
Identifiers: ClinVar variation 1038680 (VCV001038680.5), dbSNP rs1723745561, ClinGen allele CA355757714.

ClinVar aggregate classification (germline): Uncertain significance (1 of 4 stars; one submission).

Submission:

Labcorp Genetics (formerly Invitae), Labcorp
Classification: Uncertain significance. Last evaluated: 2024-03-11. Review status: criteria provided, single submitter. Criteria: Invitae Variant Classification Sherloc (09022015). Collection method: clinical testing. Allele origin: germline.
Comment: This sequence change replaces tyrosine, which is neutral and polar, with histidine, which is basic and polar, at codon 348 of the P3H2 protein (p.Tyr348His). This variant is not present in population databases (gnomAD no frequency). This variant has not been reported in the literature in individuals affected with P3H2-related conditions. ClinVar contains an entry for this variant (Variation ID: 1038680). Advanced modeling of protein sequence and biophysical properties (such as structural, functional, and spatial information, amino acid conservation, physicochemical variation, residue mobility, and thermodynamic stability) performed at Invitae indicates that this missense variant is not expected to disrupt P3H2 protein function with a negative predictive value of 80%. In summary, the available evidence is currently insufficient to determine the role of this variant in disease. Therefore, it has been classified as a Variant of Uncertain Significance.